The following is an entry in ClinVar:

ClinVar aggregate classification (germline): Pathogenic. Review status: criteria provided, multiple submitters, no conflicts (2 of 4 stars). 4 submissions from 4 submitters: Pathogenic (3). 1 of the submissions does not count toward it. Last evaluated 2025-11-01.

Conditions:
Tatton-Brown-Rahman overgrowth syndrome. Also called: Tall stature-intellectual disability-facial dysmorphism syndrome; Tatton-Brown-Rahman syndrome. Identifiers: Orphanet 404443, MedGen C4014545, MONDO:0014382, OMIM 615879.
Intellectual disability. Also called: Intellectual functioning disability; intellectual disabilities; Intellectual developmental disorder. Identifiers: MedGen C3714756, MeSH D008607, MONDO:0001071, HP:0001249.

Allele frequency attached by ClinVar (database versions not stated): TOPMed below 0.00001.

Submissions (4):

CeGaT Center for Human Genetics Tuebingen
Classification: Pathogenic. Last evaluated: 2025-11-01. Review status: criteria provided, single submitter. Criteria: CeGaT Center For Human Genetics Tuebingen Variant Classification Criteria Version 2. Collection method: clinical testing. Allele origin: germline. Affected: yes. Observed: 1 variant allele.
Comment: DNMT3A: PVS1, PM2, PS4:Moderate, PS2:Supporting

Clinical Genetics Laboratory, CHRU Nancy
Classification: Pathogenic for Tatton-Brown-Rahman overgrowth syndrome. Last evaluated: 2024-03-24. Review status: criteria provided, single submitter. Criteria: ACMG Guidelines, 2015. Collection method: clinical testing. Allele origin: germline. Affected: yes.

Labcorp Genetics (formerly Invitae), Labcorp
Classification: Pathogenic for Tatton-Brown-Rahman overgrowth syndrome. Last evaluated: 2023-07-03. Review status: criteria provided, single submitter. Criteria: Invitae Variant Classification Sherloc (09022015). Collection method: clinical testing. Allele origin: germline.
Comment: This sequence change creates a premature translational stop signal (p.Arg143*) in the DNMT3A gene. It is expected to result in an absent or disrupted protein product. Loss-of-function variants in DNMT3A are known to be pathogenic (PMID: 24614070). This variant is not present in population databases (gnomAD no frequency). This variant has not been reported in the literature in individuals affected with DNMT3A-related conditions. ClinVar contains an entry for this variant (Variation ID: 1027657). For these reasons, this variant has been classified as Pathogenic.

Institute of Human Genetics, University of Wuerzburg
Classification: Likely pathogenic for Intellectual disability. Review status: no assertion criteria provided. Collection method: clinical testing. Allele origin: unknown. Not counted in ClinVar's aggregate classification.

Literature cited by the submitters: PubMed 24614070 (cited by Labcorp Genetics (formerly Invitae), Labcorp).

NM_022552.5(DNMT3A):c.427C>T (p.Arg143Ter)

Gene: DNMT3A (DNA methyltransferase 3 alpha; minus strand). Cytogenetic location: 2p23.3.
Variant type: single nucleotide variant.
Coding change: c.427C>T on transcript NM_022552.5 (MANE Select); coding-DNA position 427, C replaced by T.
Protein change: p.Arg143Ter; replaces arginine 143 with a stop codon.
Molecular consequence: nonsense. On other transcripts: non-coding transcript variant (1).
Genome position (GRCh38, 1-based): chr2:25,282,462, G>A on the plus strand (C>T on the coding strand, the complement: DNMT3A is on the minus strand). VCF-style: chr2-25282462-G-A. GRCh37 (hg19) VCF-style: chr2-25505331-G-A.
Other names: c.427C>T, p.Arg143Ter (NM_001320892.2, NM_175629.2, NM_175630.1); short protein forms R143*.
Identifiers: ClinVar variation 1027657 (VCV001027657.11), dbSNP rs1352259738, ClinGen allele CA346083673.